The following is an entry in ClinVar:

NM_001375834.1(WIPF1):c.42G>A (p.Thr14=)

Genes: WIPF1 (WAS/WASL interacting protein family member 1; minus strand), WIPF1-AS1 (WIPF1 and CHRNA1 antisense RNA 1; plus strand). Cytogenetic location: 2q31.1.
Variant type: single nucleotide variant.
Coding change: c.42G>A on transcript NM_001375834.1 (MANE Select); coding-DNA position 42, G replaced by A.
Protein change: p.Thr14=; no amino-acid change (threonine 14 retained).
Molecular consequence: synonymous variant.
Genome position (GRCh38, 1-based): chr2:174,585,532, C>T on the plus strand (G>A on the coding strand, the complement: WIPF1 is on the minus strand). VCF-style: chr2-174585532-C-T. GRCh37 (hg19) VCF-style: chr2-175450260-C-T.
Other names: p.Thr14=; c.42G>A, p.Thr14= (NM_001077269.1, NM_001375832.1, NM_001375833.1 and 6 more transcripts).
Identifiers: ClinVar variation 472922 (VCV000472922.16), dbSNP rs111761533, ClinGen allele CA1974260.
Genomic context (GRCh38, chr2:174,585,532, plus strand): 5'-TTCATTTGGCTTGCTTTATGCATAGAAAGTGTTTGGGGAGGAGACACTCACCAGTGCAAA[C>T]GTCGGGGGCGGCGGGGGTGCTGGAGGGGGAGGGACAGGCATCTTGGGCAGTTATGCGTTC-3'
Protein context (NP_001362763.1, residues 4-24): PPPPAPPPPP[Thr14=]FALANTEKPT

ClinVar aggregate classification (germline): Benign. Review status: criteria provided, multiple submitters, no conflicts (2 of 4 stars). 4 submissions from 4 submitters: Benign (3). 1 of the submissions does not count toward it. Last evaluated 2026-02-01.

Conditions:
WIPF1-related disorder. Also called: WIPF1-related condition.
Wiskott-Aldrich syndrome 2 (WAS2). Also called: WIPF1 DEFICIENCY. Identifiers: Orphanet 906, MedGen C3281001, MONDO:0013779, OMIM 614493.

Allele frequency attached by ClinVar (database versions not stated): gnomAD exomes 0.00113 and 0.00215; ExAC 0.00255; ESP Exome Variant Server 0.00800; gnomAD 0.00912 and 0.00937; TOPMed 0.00950; 1000 Genomes Project 0.01118; 1000 Genomes Project 30x 0.01124.
gnomAD v4.1: 2,321 of 1,085,630 alleles (0.21%); highest among the groups gnomAD compares: African/African-American, 3.6%; 30 homozygotes.

Submissions (4):

Labcorp Genetics (formerly Invitae), Labcorp
Classification: Benign for Wiskott-Aldrich syndrome 2. Last evaluated: 2026-02-01. Review status: criteria provided, single submitter. Criteria: Invitae Variant Classification Sherloc (09022015). Collection method: clinical testing. Allele origin: germline.

Mayo Clinic Laboratories, Mayo Clinic
Classification: Benign. Last evaluated: 2018-10-09. Review status: criteria provided, single submitter. Criteria: ACMG Guidelines, 2015. Collection method: clinical testing. Allele origin: germline. Observed: 19 variant alleles.

Breakthrough Genomics
Classification: Benign. Review status: criteria provided, single submitter. Criteria: ACMG Guidelines, 2015. Collection method: not provided. Allele origin: germline. Inheritance: Autosomal recessive inheritance. Affected: yes.

PreventionGenetics, part of Exact Sciences
Classification: Benign for WIPF1-related condition. Last evaluated: 2019-07-15. Review status: no assertion criteria provided. Collection method: clinical testing. Allele origin: germline. Not counted in ClinVar's aggregate classification.
Comment: This variant is classified as benign based on ACMG/AMP sequence variant interpretation guidelines (Richards et al. 2015 PMID: 25741868, with internal and published modifications).